The following is an entry in ClinVar:

NM_001042492.3(NF1):c.204+2T>A

Gene: NF1 (neurofibromin 1; plus strand). Cytogenetic location: 17q11.2.
Variant type: single nucleotide variant.
Coding change: c.204+2T>A on transcript NM_001042492.3 (MANE Select); the canonical splice donor site of the intron after coding-DNA position 204, T replaced by A.
Molecular consequence: splice donor variant.
Genome position (GRCh38, 1-based): chr17:31,156,128, T>A. VCF-style: chr17-31156128-T-A. GRCh37 (hg19) VCF-style: chr17-29483146-T-A.
Other names: c.204+2T>A (NM_000267.4, NM_001128147.3).
Identifiers: ClinVar variation 2026891 (VCV002026891.4), dbSNP rs1597626161, ClinGen allele CA398988787.

ClinVar aggregate classification (germline): Pathogenic (1 of 4 stars; one submission).

Conditions:
Neurofibromatosis, type 1 (NF1). Also called: NEUROFIBROMATOSIS, TYPE I, SOMATIC; Neurofibromatosis, type I; Peripheral type neurofibromatosis; VON RECKLINGHAUSEN DISEASE. Identifiers: Orphanet 636, MedGen C0027831, MONDO:0018975, OMIM 162200. Disease mechanism: loss of function.

Submission:

Labcorp Genetics (formerly Invitae), Labcorp
Classification: Pathogenic for Neurofibromatosis, type 1. Last evaluated: 2022-08-24. Review status: criteria provided, single submitter. Criteria: Invitae Variant Classification Sherloc (09022015). Collection method: clinical testing. Allele origin: germline.
Comment: This variant is not present in population databases (gnomAD no frequency). For these reasons, this variant has been classified as Pathogenic. Algorithms developed to predict the effect of sequence changes on RNA splicing suggest that this variant may disrupt the consensus splice site. Disruption of this splice site has been observed in individuals with neurofibromatosis type 1 (PMID: 10712197). This sequence change affects a donor splice site in intron 2 of the NF1 gene. It is expected to disrupt RNA splicing. Variants that disrupt the donor or acceptor splice site typically lead to a loss of protein function (PMID: 16199547), and loss-of-function variants in NF1 are known to be pathogenic (PMID: 10712197, 23913538).

Literature cited by the submitters: PubMed 10712197; PubMed 16199547; PubMed 23913538.